The following is an entry in ClinVar:

ClinVar aggregate classification (germline): Uncertain significance (1 of 4 stars; one submission).

Allele frequency attached by ClinVar (database versions not stated): gnomAD exomes 0.00001.
gnomAD v4.1: 1 of 1,194,372 alleles (0.000084%); highest among the groups gnomAD compares: South Asian, 0.0018%; no homozygotes.

Submission:

GeneDx
Classification: Uncertain significance. Last evaluated: 2019-08-27. Review status: criteria provided, single submitter. Criteria: GeneDx Variant Classification Process June 2021. Collection method: clinical testing. Allele origin: germline. Affected: yes.
Comment: In silico analysis, which includes protein predictors and evolutionary conservation, supports a deleterious effect; Has not been previously published as pathogenic or benign to our knowledge

NM_004484.4(GPC3):c.1094A>G (p.Asp365Gly)

Gene: GPC3 (glypican 3; minus strand). Cytogenetic location: Xq26.2.
Variant type: single nucleotide variant.
Coding change: c.1094A>G on transcript NM_004484.4 (MANE Select); coding-DNA position 1094, A replaced by G.
Protein change: p.Asp365Gly; replaces aspartic acid 365 with glycine.
Molecular consequence: missense variant.
Genome position (GRCh38, 1-based): chrX:133,699,967, T>C on the plus strand (A>G on the coding strand, the complement: GPC3 is on the minus strand). VCF-style: chrX-133699967-T-C. GRCh37 (hg19) VCF-style: chrX-132833995-T-C.
Other names: c.1163A>G, p.Asp388Gly (NM_001164617.2); c.1046A>G, p.Asp349Gly (NM_001164618.2); c.932A>G, p.Asp311Gly (NM_001164619.2); short protein forms D311G, D349G, D365G, D388G.
Identifiers: ClinVar variation 1307433 (VCV001307433.2), dbSNP rs1174291561, ClinGen allele CA414699836.
Genomic context (GRCh38, chrX:133,699,967, plus strand): 5'-GATAAGGTTTCTTCATGTTCTACATGAGCAACTTTTAATACTTTCTTGTCAATAAAGAGA[T>C]CTTCAGGATAATAAGCAGATCTATATTGGCGTTGTTGAGAATGGGCACATAACTTGCCAA-3'
Protein context (NP_004475.1, residues 355-375): RQYRSAYYPE[Asp365Gly]LFIDKKVLKV